The following is an entry in ClinVar:

NM_170707.4(LMNA):c.748G>A (p.Ala250Thr)

Gene: LMNA (lamin A/C; plus strand). Cytogenetic location: 1q22.
Variant type: single nucleotide variant.
Coding change: c.748G>A on transcript NM_170707.4 (MANE Select); coding-DNA position 748, G replaced by A.
Protein change: p.Ala250Thr; replaces alanine 250 with threonine.
Molecular consequence: missense variant.
Genome position (GRCh38, 1-based): chr1:156,134,913, G>A. VCF-style: chr1-156134913-G-A. GRCh37 (hg19) VCF-style: chr1-156104704-G-A.
Other names: c.412G>A, p.Ala138Thr (NM_001257374.3); c.505G>A, p.Ala169Thr (NM_001282624.2); c.748G>A, p.Ala250Thr (NM_001282625.2, NM_001282626.2, NM_005572.4 and 1 more transcripts); short protein forms A138T, A250T, A169T.
Identifiers: ClinVar variation 665871 (VCV000665871.15), dbSNP rs1572360042, ClinGen allele CA342817316.

ClinVar aggregate classification (germline): Uncertain significance. Review status: criteria provided, multiple submitters, no conflicts (2 of 4 stars). 3 submissions from 3 submitters: Uncertain significance (3). Last evaluated 2024-04-25.

Conditions:
Charcot-Marie-Tooth disease type 2. Also called: Charcot-Marie-Tooth type 2. Identifiers: Orphanet 64746, MedGen C0270914, MONDO:0018993.
Cardiomyopathy (CMYO). Also called: Cardiomyopathies. Identifiers: Orphanet 167848, MedGen C0878544, MONDO:0004994, HP:0001638. Inheritance: Various modes of inheritance.
Cardiovascular phenotype. Identifiers: MedGen CN230736.

Submissions (3):

Labcorp Genetics (formerly Invitae), Labcorp
Classification: Uncertain significance for Charcot-Marie-Tooth disease type 2. Last evaluated: 2024-04-25. Review status: criteria provided, single submitter. Criteria: Invitae Variant Classification Sherloc (09022015). Collection method: clinical testing. Allele origin: germline.
Comment: This sequence change replaces alanine, which is neutral and non-polar, with threonine, which is neutral and polar, at codon 250 of the LMNA protein (p.Ala250Thr). This variant is not present in population databases (gnomAD no frequency). This variant has not been reported in the literature in individuals affected with LMNA-related conditions. ClinVar contains an entry for this variant (Variation ID: 665871). Advanced modeling of protein sequence and biophysical properties (such as structural, functional, and spatial information, amino acid conservation, physicochemical variation, residue mobility, and thermodynamic stability) performed at Invitae indicates that this missense variant is expected to disrupt LMNA protein function with a positive predictive value of 95%. In summary, the available evidence is currently insufficient to determine the role of this variant in disease. Therefore, it has been classified as a Variant of Uncertain Significance.

Color Diagnostics, LLC DBA Color Health
Classification: Uncertain significance for Cardiomyopathy. Last evaluated: 2024-03-07. Review status: criteria provided, single submitter. Criteria: ACMG Guidelines, 2015. Collection method: clinical testing. Allele origin: germline.
Comment: This missense variant replaces alanine with threonine at codon 250 of the LMNA protein. Computational prediction suggests that this variant may not impact protein structure and function (internally defined REVEL score threshold <= 0.5, PMID: 27666373). To our knowledge, functional studies have not been reported for this variant. This variant has not been reported in individuals affected with LMNA-related disorders in the literature. This variant has not been identified in the general population by the Genome Aggregation Database (gnomAD). The available evidence is insufficient to determine the role of this variant in disease conclusively. Therefore, this variant is classified as a Variant of Uncertain Significance.

Ambry Genetics
Classification: Uncertain significance for Cardiovascular phenotype. Last evaluated: 2023-05-18. Review status: criteria provided, single submitter. Criteria: Ambry Variant Classification Scheme 2023. Collection method: clinical testing. Allele origin: germline.
Comment: The p.A250T variant (also known as c.748G>A), located in coding exon 4 of the LMNA gene, results from a G to A substitution at nucleotide position 748. The alanine at codon 250 is replaced by threonine, an amino acid with similar properties. This amino acid position is not well conserved in available vertebrate species. In addition, the in silico prediction for this alteration is inconclusive. Since supporting evidence is limited at this time, the clinical significance of this alteration remains unclear.